The following is an entry in ClinVar:

NM_024598.4(USB1):c.652G>A (p.Ala218Thr)

Gene: USB1 (U6 snRNA biogenesis phosphodiesterase 1; plus strand). Cytogenetic location: 16q21.
Variant type: single nucleotide variant.
Coding change: c.652G>A on transcript NM_024598.4 (MANE Select); coding-DNA position 652, G replaced by A.
Protein change: p.Ala218Thr; replaces alanine 218 with threonine.
Molecular consequence: missense variant.
Genome position (GRCh38, 1-based): chr16:58,019,014, G>A. VCF-style: chr16-58019014-G-A. GRCh37 (hg19) VCF-style: chr16-58052918-G-A.
Other names: c.598G>A, p.Ala200Thr (NM_001195302.2); c.499G>A, p.Ala167Thr (NM_001330568.2); short protein forms A200T, A218T, A167T.
Identifiers: ClinVar variation 2180235 (VCV002180235.7), dbSNP rs1192603229, ClinGen allele CA396130182.

ClinVar aggregate classification (germline): Uncertain significance. Review status: criteria provided, multiple submitters, no conflicts (2 of 4 stars). 2 submissions from 2 submitters: Uncertain significance (2). Last evaluated 2025-10-04.

Conditions:
Inborn genetic diseases. Identifiers: MedGen C0950123, MeSH D030342.

Allele frequency attached by ClinVar (database versions not stated): gnomAD exomes below 0.00001.
gnomAD v4.1: 7 of 1,614,200 alleles (0.00043%); highest among the groups gnomAD compares: East Asian, 0.013%; no homozygotes.

Submissions (2):

Labcorp Genetics (formerly Invitae), Labcorp
Classification: Uncertain significance. Last evaluated: 2025-10-04. Review status: criteria provided, single submitter. Criteria: Invitae Variant Classification Sherloc (09022015). Collection method: clinical testing. Allele origin: germline.
Comment: This sequence change replaces alanine, which is neutral and non-polar, with threonine, which is neutral and polar, at codon 218 of the USB1 protein (p.Ala218Thr). This variant is present in population databases (no rsID available, gnomAD 0.02%). This variant has not been reported in the literature in individuals affected with USB1-related conditions. ClinVar contains an entry for this variant (Variation ID: 2180235). Invitae Evidence Modeling of protein sequence and biophysical properties (such as structural, functional, and spatial information, amino acid conservation, physicochemical variation, residue mobility, and thermodynamic stability) indicates that this missense variant is not expected to disrupt USB1 protein function with a negative predictive value of 80%. In summary, the available evidence is currently insufficient to determine the role of this variant in disease. Therefore, it has been classified as a Variant of Uncertain Significance.

Ambry Genetics
Classification: Uncertain significance for Inborn genetic diseases. Last evaluated: 2024-12-16. Review status: criteria provided, single submitter. Criteria: Ambry Variant Classification Scheme 2023. Collection method: clinical testing. Allele origin: germline.
Comment: The p.A218T variant (also known as c.652G>A), located in coding exon 6 of the USB1 gene, results from a G to A substitution at nucleotide position 652. The alanine at codon 218 is replaced by threonine, an amino acid with similar properties. This amino acid position is conserved. In addition, this alteration is predicted to be tolerated by in silico analysis. Based on the available evidence, the clinical significance of this variant remains unclear.